The following is an entry in ClinVar:

ClinVar aggregate classification (germline): Likely benign. Review status: criteria provided, multiple submitters, no conflicts (2 of 4 stars). 2 submissions from 2 submitters: Likely benign (2). Last evaluated 2023-12-20.

Allele frequency attached by ClinVar (database versions not stated): TOPMed below 0.00001; gnomAD 0.00001; gnomAD exomes 0.00001.
gnomAD v4.1: 14 of 1,613,764 alleles (0.00087%); highest among the groups gnomAD compares: Non-Finnish European, 0.001%; no homozygotes.

Submissions (2):

Blueprint Genetics
Classification: Likely benign. Last evaluated: 2023-12-20. Review status: criteria provided, single submitter. Criteria: ACMG Guidelines, 2015. Collection method: clinical testing. Allele origin: germline.

GeneDx
Classification: Likely benign. Last evaluated: 2017-11-08. Review status: criteria provided, single submitter. Criteria: GeneDx Variant Classification (06012015). Collection method: clinical testing. Allele origin: germline. Affected: yes.
Comment: This variant is considered likely benign or benign based on one or more of the following criteria: it is a conservative change, it occurs at a poorly conserved position in the protein, it is predicted to be benign by multiple in silico algorithms, and/or has population frequency not consistent with disease.

NM_001267550.2(TTN):c.7738A>G (p.Ile2580Val)

Gene: TTN (titin; minus strand). Cytogenetic location: 2q31.2.
Variant type: single nucleotide variant.
Coding change: c.7738A>G on transcript NM_001267550.2 (MANE Select); coding-DNA position 7738, A replaced by G.
Protein change: p.Ile2580Val; replaces isoleucine 2580 with valine.
Molecular consequence: missense variant.
Genome position (GRCh38, 1-based): chr2:178,773,226, T>C on the plus strand (A>G on the coding strand, the complement: TTN is on the minus strand). VCF-style: chr2-178773226-T-C. GRCh37 (hg19) VCF-style: chr2-179637953-T-C.
Other names: p.I2580V:ATT>GTT; c.7600A>G, p.Ile2534Val (NM_003319.4, NM_133432.3, NM_133437.4); c.7738A>G, p.Ile2580Val (NM_133378.4, NM_133379.5, NM_001256850.1); short protein forms I2580V, I2534V.
Identifiers: ClinVar variation 203154 (VCV000203154.2), dbSNP rs753963679, ClinGen allele CA311480.